The following is an entry in ClinVar:

NM_004260.4(RECQL4):c.2672C>A (p.Pro891Gln)

Gene: RECQL4 (RecQ like helicase 4; minus strand). Cytogenetic location: 8q24.3.
Variant type: single nucleotide variant.
Coding change: c.2672C>A on transcript NM_004260.4 (MANE Select); coding-DNA position 2672, C replaced by A.
Protein change: p.Pro891Gln; replaces proline 891 with glutamine.
Molecular consequence: missense variant. On other transcripts: non-coding transcript variant (3).
Genome position (GRCh38, 1-based): chr8:144,512,930, G>T on the plus strand (C>A on the coding strand, the complement: RECQL4 is on the minus strand). VCF-style: chr8-144512930-G-T. GRCh37 (hg19) VCF-style: chr8-145738313-G-T.
Other names: c.1601C>A, p.Pro534Gln (NM_001413028.1, NM_001413034.1, NM_001413035.1 and 5 more transcripts); c.2321C>A, p.Pro774Gln (NM_001413029.1); c.1535C>A, p.Pro512Gln (NM_001413030.1, NM_001413032.1, NM_001413027.1 and 1 more transcripts); c.1403C>A, p.Pro468Gln (NM_001413031.1, NM_001413038.1); c.2540C>A, p.Pro847Gln (NM_001413033.1); c.2672C>A, p.Pro891Gln (NM_001413036.1, NM_001413019.1); c.1469C>A, p.Pro490Gln (NM_001413037.1); c.2378C>A, p.Pro793Gln (NM_001413017.1); and 6 more; short protein forms P402Q, P468Q, P825Q, P847Q, P859Q, P881Q, P490Q, P512Q.
Identifiers: ClinVar variation 4152428 (VCV004152428.1).

ClinVar aggregate classification (germline): Uncertain significance (1 of 4 stars; one submission).

Conditions:
Inborn genetic diseases. Identifiers: MedGen C0950123, MeSH D030342.

Submission:

Ambry Genetics
Classification: Uncertain significance for Inborn genetic diseases. Last evaluated: 2025-08-23. Review status: criteria provided, single submitter. Criteria: Ambry Variant Classification Scheme 2023. Collection method: clinical testing. Allele origin: germline.
Comment: The p.P891Q variant (also known as c.2672C>A), located in coding exon 15 of the RECQL4 gene, results from a C to A substitution at nucleotide position 2672. The proline at codon 891 is replaced by glutamine, an amino acid with similar properties. This amino acid position is conserved. In addition, this alteration is predicted to be tolerated by in silico analysis. Based on the available evidence, the clinical significance of this variant remains unclear.